The following is an entry in ClinVar:

ClinVar aggregate classification (germline): Uncertain significance (1 of 4 stars; one submission).

gnomAD v4.1: 4 of 1,483,756 alleles (0.00027%); highest among the groups gnomAD compares: African/African-American, 0.0015%; no homozygotes.

Submission:

GeneDx
Classification: Uncertain significance. Last evaluated: 2023-10-20. Review status: criteria provided, single submitter. Criteria: GeneDx Variant Classification Process June 2021. Collection method: clinical testing. Allele origin: germline. Affected: yes.
Comment: Not observed at significant frequency in large population cohorts (gnomAD); In silico analysis supports that this missense variant has a deleterious effect on protein structure/function; Has not been previously published as pathogenic or benign to our knowledge

NM_031475.3(ESPN):c.1912G>C (p.Gly638Arg)

Gene: ESPN (espin; plus strand). Cytogenetic location: 1p36.31.
Variant type: single nucleotide variant.
Coding change: c.1912G>C on transcript NM_031475.3 (MANE Select); coding-DNA position 1912, G replaced by C.
Protein change: p.Gly638Arg; replaces glycine 638 with arginine.
Molecular consequence: missense variant.
Genome position (GRCh38, 1-based): chr1:6,449,088, G>C. VCF-style: chr1-6449088-G-C. GRCh37 (hg19) VCF-style: chr1-6509148-G-C.
Other names: c.1822G>C, p.Gly608Arg (NM_001367473.1, NM_001367474.1); short protein forms G608R, G638R.
Identifiers: ClinVar variation 3366253 (VCV003366253.1).